The following is an entry in ClinVar:

ClinVar aggregate classification (germline): Uncertain significance (1 of 4 stars; one submission).

Conditions:
Norman-Roberts syndrome (LIS2). Also called: Lissencephaly 2 (Norman-Roberts type). Identifiers: Orphanet 89844, MedGen C0796089, MONDO:0009760, OMIM 257320.
Familial temporal lobe epilepsy 7. Identifiers: Orphanet 101046, MedGen C4225327, MONDO:0014639, OMIM 616436.

Submission:

Labcorp Genetics (formerly Invitae), Labcorp
Classification: Uncertain significance for Familial temporal lobe epilepsy 7; Norman-Roberts syndrome. Last evaluated: 2025-06-08. Review status: criteria provided, single submitter. Criteria: Invitae Variant Classification Sherloc (09022015). Collection method: clinical testing. Allele origin: germline.
Comment: This sequence change replaces threonine, which is neutral and polar, with isoleucine, which is neutral and non-polar, at codon 773 of the RELN protein (p.Thr773Ile). This variant is not present in population databases (gnomAD no frequency). This variant has not been reported in the literature in individuals affected with RELN-related conditions. Invitae Evidence Modeling of protein sequence and biophysical properties (such as structural, functional, and spatial information, amino acid conservation, physicochemical variation, residue mobility, and thermodynamic stability) indicates that this missense variant is not expected to disrupt RELN protein function with a negative predictive value of 80%. In summary, the available evidence is currently insufficient to determine the role of this variant in disease. Therefore, it has been classified as a Variant of Uncertain Significance.

NM_005045.4(RELN):c.2318C>T (p.Thr773Ile)

Gene: RELN (reelin; minus strand). Cytogenetic location: 7q22.1.
Variant type: single nucleotide variant.
Coding change: c.2318C>T on transcript NM_005045.4 (MANE Select); coding-DNA position 2318, C replaced by T.
Protein change: p.Thr773Ile; replaces threonine 773 with isoleucine.
Molecular consequence: missense variant.
Genome position (GRCh38, 1-based): chr7:103,635,572, G>A on the plus strand (C>T on the coding strand, the complement: RELN is on the minus strand). VCF-style: chr7-103635572-G-A. GRCh37 (hg19) VCF-style: chr7-103276019-G-A.
Other names: c.2318C>T, p.Thr773Ile (NM_173054.3); short protein forms T773I.
Identifiers: ClinVar variation 4783208 (VCV004783208.1).
Genomic context (GRCh38, chr7:103,635,572, plus strand): 5'-TCACCAGGCTGATCAGGGGCTCTGCACGTGCTCAGAACAGATTTGCTCCCCAGTCTCAGT[G>A]TGAACTGGAGAAACCTAGACAGAAATTGTCTATAATTAGTGTATGCATAAACATTTTTAA-3'
Protein context (NP_005036.2, residues 763-783): DSSQSRFLQF[Thr773Ile]LRLGSKSVLS